The following is an entry in ClinVar:

NM_025074.7(FRAS1):c.5939C>T (p.Ser1980Phe)

Gene: FRAS1 (Fraser extracellular matrix complex subunit 1; plus strand). Cytogenetic location: 4q21.21.
Variant type: single nucleotide variant.
Coding change: c.5939C>T on transcript NM_025074.7 (MANE Select); coding-DNA position 5939, C replaced by T.
Protein change: p.Ser1980Phe; replaces serine 1980 with phenylalanine.
Molecular consequence: missense variant.
Genome position (GRCh38, 1-based): chr4:78,446,809, C>T. VCF-style: chr4-78446809-C-T. GRCh37 (hg19) VCF-style: chr4-79367963-C-T.
Other names: short protein forms S1980F.
Identifiers: ClinVar variation 373336 (VCV000373336.5), dbSNP rs762464811, ClinGen allele CA2977662.
Genomic context (GRCh38, chr4:78,446,809, plus strand): 5'-GGATGACCTTGCAGCCCCTCAGAGTGCAGCTGAGCTCGGGAGTGGTGATAAGCAATTCTT[C>T]TTTGAGCCTGCAAGACCTGGACACCCCAGATAATGAGCTCATTTTTGTATTGACAAAAAA-3'
Protein context (NP_079350.5, residues 1970-1990): LSSGVVISNS[Ser1980Phe]LSLQDLDTPD

ClinVar aggregate classification (germline): Uncertain significance. Review status: criteria provided, multiple submitters, no conflicts (2 of 4 stars). 3 submissions from 3 submitters: Uncertain significance (3). Last evaluated 2024-06-17.

Conditions:
Inborn genetic diseases. Identifiers: MedGen C0950123, MeSH D030342.
Fraser syndrome 1 (FRASRS1). Also called: CRYPTOPHTHALMOS WITH OTHER MALFORMATIONS. Identifiers: Orphanet 2052, MedGen C4551480, MONDO:0054737, OMIM 219000.

Allele frequency attached by ClinVar (database versions not stated): TOPMed below 0.00001; ExAC 0.00001; gnomAD exomes 0.00001.
gnomAD v4.1: 5 of 1,613,168 alleles (0.00031%); highest among the groups gnomAD compares: Admixed American, 0.005%; no homozygotes.

Submissions (3):

Fulgent Genetics
Classification: Uncertain significance for Fraser syndrome 1. Last evaluated: 2024-06-17. Review status: criteria provided, single submitter. Criteria: ACMG Guidelines, 2015. Collection method: clinical testing. Allele origin: germline.

Ambry Genetics
Classification: Uncertain significance for Inborn genetic diseases. Last evaluated: 2023-03-21. Review status: criteria provided, single submitter. Criteria: Ambry Variant Classification Scheme 2023. Collection method: clinical testing. Allele origin: germline.

GeneDx
Classification: Uncertain significance. Last evaluated: 2016-11-14. Review status: criteria provided, single submitter. Criteria: GeneDx Variant Classification (06012015). Collection method: clinical testing. Allele origin: germline. Affected: yes.
Comment: The S1980F variant in the FRAS1 gene has not been reported previously as a pathogenic variant, nor as a benign variant, to our knowledge. The S1980F variant was not observed in approximately 6100 individuals of European and African American ancestry in the NHLBI Exome Sequencing Project, indicating it is not a common benign variant in these populations. The S1980F variant is a non-conservative amino acid substitution, which is likely to impact secondary protein structure as these residues differ in polarity, charge, size and/or other properties. This substitution occurs at a position where amino acids with similar properties to Serine are tolerated across species. In silico analysis predicts this variant is probably damaging to the protein structure/function. We interpret S1980F as a variant of uncertain significance.